The following is an entry in ClinVar:

NM_001330677.2(TBX15):c.152G>T (p.Gly51Val)

Gene: TBX15 (T-box transcription factor 15; minus strand). Cytogenetic location: 1p12.
Variant type: single nucleotide variant.
Coding change: c.152G>T on transcript NM_001330677.2 (MANE Select); coding-DNA position 152, G replaced by T.
Protein change: p.Gly51Val; replaces glycine 51 with valine.
Molecular consequence: missense variant. On other transcripts: intron variant (1).
Genome position (GRCh38, 1-based): chr1:118,987,644, C>A on the plus strand (G>T on the coding strand, the complement: TBX15 is on the minus strand). VCF-style: chr1-118987644-C-A. GRCh37 (hg19) VCF-style: chr1-119530267-C-A.
Other names: c.-114+1711G>T (NM_152380.3); short protein forms G51V.
Identifiers: ClinVar variation 3054469 (VCV003054469.2), dbSNP rs559706400, ClinGen allele CA1035138.

ClinVar aggregate classification (germline): Likely benign (0 of 4 stars; one submission).

Conditions:
TBX15-related disorder. Also called: TBX15-related condition.

Allele frequency attached by ClinVar (database versions not stated): gnomAD exomes 0.00003; ExAC 0.00007; 1000 Genomes Project 30x 0.00016; 1000 Genomes Project 0.00020; gnomAD 0.00022; TOPMed 0.00037.
gnomAD v4.1: 74 of 1,550,086 alleles (0.0048%); highest among the groups gnomAD compares: African/African-American, 0.085%; no homozygotes.

Submission:

PreventionGenetics, part of Exact Sciences
Classification: Likely benign for TBX15-related condition. Last evaluated: 2022-05-02. Review status: no assertion criteria provided. Collection method: clinical testing. Allele origin: germline.
Comment: This variant is classified as likely benign based on ACMG/AMP sequence variant interpretation guidelines (Richards et al. 2015 PMID: 25741868, with internal and published modifications).